The following is an entry in ClinVar:

ClinVar aggregate classification (germline): Uncertain significance (1 of 4 stars; one submission).

Allele frequency attached by ClinVar (database versions not stated): gnomAD exomes 0.00001; ExAC 0.00002; gnomAD 0.00003 and 0.00004; TOPMed 0.00005.
gnomAD v4.1: 23 of 1,589,010 alleles (0.0014%); highest among the groups gnomAD compares: Admixed American, 0.0073%; no homozygotes.

Submission:

Labcorp Genetics (formerly Invitae), Labcorp
Classification: Uncertain significance. Last evaluated: 2021-04-24. Review status: criteria provided, single submitter. Criteria: Invitae Variant Classification Sherloc (09022015). Collection method: clinical testing. Allele origin: germline.
Comment: In summary, the available evidence is currently insufficient to determine the role of this variant in disease. Therefore, it has been classified as a Variant of Uncertain Significance. Algorithms developed to predict the effect of missense changes on protein structure and function are either unavailable or do not agree on the potential impact of this missense change (SIFT: "Deleterious"; PolyPhen-2: "Benign"; Align-GVGD: "Class C0"). This variant has not been reported in the literature in individuals with TBX6-related conditions. This variant is present in population databases (rs767162422, ExAC 0.06%). This sequence change replaces aspartic acid with asparagine at codon 25 of the TBX6 protein (p.Asp25Asn). The aspartic acid residue is highly conserved and there is a small physicochemical difference between aspartic acid and asparagine.

NM_004608.4(TBX6):c.73G>A (p.Asp25Asn)

Gene: TBX6 (T-box transcription factor 6; minus strand). Cytogenetic location: 16p11.2.
Variant type: single nucleotide variant.
Coding change: c.73G>A on transcript NM_004608.4 (MANE Select); coding-DNA position 73, G replaced by A.
Protein change: p.Asp25Asn; replaces aspartic acid 25 with asparagine.
Molecular consequence: missense variant.
Genome position (GRCh38, 1-based): chr16:30,091,121, C>T on the plus strand (G>A on the coding strand, the complement: TBX6 is on the minus strand). VCF-style: chr16-30091121-C-T. GRCh37 (hg19) VCF-style: chr16-30102442-C-T.
Other names: short protein forms D25N.
Identifiers: ClinVar variation 1358205 (VCV001358205.8), dbSNP rs767162422, ClinGen allele CA8002023.